The following continues an entry in ClinVar:

NM_007294.4(BRCA1):c.5117G>C (p.Gly1706Ala)

Gene: BRCA1. ClinVar aggregate classification (germline): Benign. Benign (1).

Submissions 16 to 28 of 28:

Women's Health and Genetics/Laboratory Corporation of America, LabCorp
Classification: Benign. Last evaluated: 2016-03-30. Review status: criteria provided, single submitter. Criteria: LabCorp Variant Classification Summary - May 2015. Collection method: clinical testing. Allele origin: germline. Not counted in ClinVar's aggregate classification.
Comment: Variant Summary: The BRCA1 c.5117G>C variant involves the alteration of a conserved nucleotide, resulting in an amino acid change from a Gly to an Ala at codon 1706. G1706 is a highly conserved residue located at the interface between the two BRCT domains, which forms the binding pocket for the peptide and functional studies have shown G1706A may be mildly destablizing (Lee_CR_2010); however, this finding was in contrast to Lovelock et al 2006, showing no change in stability. Regardless, the implications of this possible reduction in protein stability in cancer are not known. 4/5 in-silico tools predict a pathogenic outcome. Contrary to in silico and the conflicting stability assay results, multiple other functional assays from independent labs show the variant to have similar activity compared to WT, including, subcellular localization, transcriptional transactivation, centrosome amplification, binding activity, as well as splicing/transcription analysis via patient mRNA (Lovelock_2006, Campos_2003, Lee_CR_2010).The variant was observed in the large and broad cohorts of the ExAC project at an allele frequency of 0.004% which does not exceed the maximal expected allele frequency for a pathogenic variant in BRCA1 (0.10%). The variant has been reported in the literature in affected individuals, without strong evidence for causality (i.e. co-segregation with disease). The variant has been reported in databases and publications to co-occur in patients with pathogenic variants including 3 patients who also carry BRCA1 c.3049G>T (p.Glu1017X; UMD), 1 patient with BRCA2 c.IVS2+2T>C (c.67+2T>C; UMD), 1 patient with BRCA2 c.51_52delAC (p.Arg18LeufsX12; UMD) and 1 patient with BRCA1 c.5263insC (p.Gln1756fs; Carraro_2013). In another family, the affected proband was positive for the variant, but the variant was not inherited from the cancer affected maternal side of the family (fathers side had no cancer history; Lovelock_2006). Furthermore, multiple reputable clinical labs have classified the variant as likely benign/benign. Therefore, due to the lack of co-segregation of the variant with disease, the co-occurrence of the variant with pathogenic variants in multiple patients, and functional assays showing similar activity to WT BRCA1, this variant has been classified as a benign variant.

Eurofins Ntd Llc (ga)
Classification: Likely benign. Last evaluated: 2015-10-13. Review status: criteria provided, single submitter. Criteria: EGL Classification Definitions 2015. Collection method: clinical testing. Allele origin: germline. Observed: 1 variant allele, 1 heterozygote. Not counted in ClinVar's aggregate classification.

Ambry Genetics
Classification: Benign for Hereditary cancer-predisposing syndrome. Last evaluated: 2014-11-18. Review status: criteria provided, single submitter. Criteria: Ambry Variant Classification Scheme 2023. Collection method: clinical testing. Allele origin: germline. Not counted in ClinVar's aggregate classification.

Department of Medical Genetics, University Hospital of North Norway
Classification: Likely benign for Breast-ovarian cancer, familial, susceptibility to, 1. Last evaluated: 2016-05-01. Review status: no assertion criteria provided. Collection method: clinical testing. Allele origin: germline. Affected: no. Observed: 1 variant allele. Not counted in ClinVar's aggregate classification.

Pathway Genomics
Classification: Benign for Breast-ovarian cancer, familial 1. Last evaluated: 2014-11-06. Review status: no assertion criteria provided. Collection method: clinical testing. Allele origin: germline. Not counted in ClinVar's aggregate classification.

Counsyl
Classification: Likely benign for Breast-ovarian cancer, familial 1. Last evaluated: 2014-03-23. Review status: no assertion criteria provided. Collection method: literature only. Allele origin: unknown. Inheritance: Autosomal dominant inheritance. Not counted in ClinVar's aggregate classification.

Sharing Clinical Reports Project (SCRP)
Classification: Likely benign for Breast-ovarian cancer, familial 1. Last evaluated: 2012-08-16. Review status: no assertion criteria provided. Collection method: clinical testing. Allele origin: germline. Not counted in ClinVar's aggregate classification.

Breast Cancer Information Core (BIC) (BRCA1)
Classification: Uncertain significance for Breast-ovarian cancer, familial 1. Last evaluated: 2002-05-29. Review status: no assertion criteria provided. Collection method: clinical testing. Allele origin: germline. Affected: yes. Observed: 6 variant alleles. Not counted in ClinVar's aggregate classification.

Brotman Baty Institute, University of Washington
No classification provided (evidence only). Condition: Breast-ovarian cancer, familial 1. Review status: no classification provided. Collection method: in vitro. Allele origin: not applicable. Functional consequence: functionally_normal. Not counted in ClinVar's aggregate classification.
ClinVar note: "not provided" was previously submitted as the classification for the variant. However, the classification appeared to be based only on an observation of functional data so it was converted to no classification on 2025-07-30.

Clinical Genetics Laboratory, Department of Pathology, Netherlands Cancer Institute
Classification: Benign. Review status: no assertion criteria provided. Collection method: clinical testing. Allele origin: germline. Affected: yes. Study: VKGL Data-share Consensus. Not counted in ClinVar's aggregate classification.

Department of Pathology and Laboratory Medicine, Sinai Health System
Classification: Likely benign for Malignant tumor of breast. Review status: no assertion criteria provided. Collection method: clinical testing. Allele origin: unknown. Affected: yes. Study: The Canadian Open Genetics Repository (COGR). Not counted in ClinVar's aggregate classification.
Comment: The BRCA1 p.Gly1706Ala variant has been reported in the literature in 11/1788 proband chromosomes from individuals with hereditary breast and ovarian cancer (Abkevich 2004, Bonatti 2006, Campos 2003, Filippini 2007, Hondow 2011, Lee 2010, Lovelock 2006, Mirkovic 2004, Phelan 2005, Williams 2003) and was not identified in 1100 control chromosomes from healthy individuals (Campos 2003, Phelan 2005). The variant was also identified in dbSNP (ID: rs80356860) with a minor allele frequency of 0.0002 (1000 Genomes Project), LOVD, the ClinVar database (classified as a Likely Benign variant by the Sharing Clinical Reports Project, derived from Myriad reports), the BIC database (6X with unknown clinical importance), and UMD (28X as a UV variant). The variant was also identified by the Exome Variant Server project in 1 of 8600 European American alleles (frequency: 0.0001), although this low number of observations and low frequency is not substantive enough to determine the prevalence of the variant in the general population and its relationship to disease.In the UMD database, this variant has been identified in three individuals with a second pathogenic BRCA1 and BRCA2 variants (c.3049G>T (p.Glu1017X) ; c.IVS2+2T>C (c.67+2T>C), thereby increasing the likelihood that this variant does not have clinical significance. The p.Gly1706 residue is conserved across mammals and lower organisms, and computational analyses (PolyPhen-2, SIFT, AlignGVGD, BLOSUM, MutationTaster) suggest that the p.Gly1706 variant may impact the protein. However, this information is not predictive enough to assume pathogenicity. In addition, several functional assays that examined the variant's protein stability, transcriptional transactivation, and subcellular localization predict this variant to be nonpathogenic (Lee 2010, Lovelock 2006, Williams 2003). In summary, the clinical significance of this variant cannot be determined with certainty at this time, although we would lean towards a more benign role for this variant. This variant is classified as Predicted Benign.

Joint Genome Diagnostic Labs from Nijmegen and Maastricht, Radboudumc and MUMC+
Classification: Benign. Review status: no assertion criteria provided. Collection method: clinical testing. Allele origin: germline. Affected: yes. Study: VKGL Data-share Consensus. Not counted in ClinVar's aggregate classification.

Laboratory of Diagnostic Genome Analysis, Leiden University Medical Center (LUMC)
Classification: Benign. Review status: no assertion criteria provided. Collection method: clinical testing. Allele origin: germline. Affected: yes. Study: VKGL Data-share Consensus. Not counted in ClinVar's aggregate classification.

Literature cited by the submitters: PubMed 21990134 (cited by 5 submitters); PubMed 36329109 (cited by Genetics Program, Instituto Nacional de Cancer); PubMed 30209399 (cited by Genetics Program, Instituto Nacional de Cancer); PubMed 23867111 (cited by 4 submitters); PubMed 27495310 (cited by Quest Diagnostics Nichols Institute San Juan Capistrano and Department of Medical Genetics, University Hospital of North Norway); PubMed 26997744 (cited by Quest Diagnostics Nichols Institute San Juan Capistrano); PubMed 23469205 (cited by 3 submitters); PubMed 23289006 (cited by 4 submitters); PubMed 25814778 (cited by Quest Diagnostics Nichols Institute San Juan Capistrano); PubMed 23683081 (cited by 3 submitters); PubMed 15235020 (cited by 3 submitters); PubMed 15172985 (cited by Quest Diagnostics Nichols Institute San Juan Capistrano); PubMed 15923272 (cited by 4 submitters); PubMed 15689452 (cited by 3 submitters); PubMed 12955719 (cited by 3 submitters); PubMed 17011978 (cited by Quest Diagnostics Nichols Institute San Juan Capistrano); PubMed 20378548 (cited by Quest Diagnostics Nichols Institute San Juan Capistrano and Counsyl); PubMed 20516115 (cited by 3 submitters); PubMed 21702907 (cited by Women's Health and Genetics/Laboratory Corporation of America, LabCorp and Counsyl); PubMed 12955716 (cited by Women's Health and Genetics/Laboratory Corporation of America, LabCorp); PubMed 21918853 (cited by Women's Health and Genetics/Laboratory Corporation of America, LabCorp); PubMed 12601471 (cited by Women's Health and Genetics/Laboratory Corporation of America, LabCorp and Counsyl); PubMed 17922257 (cited by Women's Health and Genetics/Laboratory Corporation of America, LabCorp); PubMed 17305420 (cited by Counsyl); PubMed 21447777 (cited by Counsyl).